The following is an entry in ClinVar:

NM_001040108.2(MLH3):c.3786G>A (p.Pro1262=)

Gene: MLH3 (mutL homolog 3; minus strand). Cytogenetic location: 14q24.3.
Variant type: single nucleotide variant.
Coding change: c.3786G>A on transcript NM_001040108.2 (MANE Select); coding-DNA position 3786, G replaced by A.
Protein change: p.Pro1262=; no amino-acid change (proline 1262 retained).
Molecular consequence: synonymous variant.
Genome position (GRCh38, 1-based): chr14:75,032,109, C>T on the plus strand (G>A on the coding strand, the complement: MLH3 is on the minus strand). VCF-style: chr14-75032109-C-T. GRCh37 (hg19) VCF-style: chr14-75498812-C-T.
Other names: c.3714G>A, p.Pro1238= (NM_014381.3).
Identifiers: ClinVar variation 1650054 (VCV001650054.13), dbSNP rs28757027, ClinGen allele CA7275326.

ClinVar aggregate classification (germline): Benign/Likely benign. Review status: criteria provided, multiple submitters, no conflicts (2 of 4 stars). 4 submissions from 4 submitters: Benign (1); Likely benign (2). 1 of the submissions does not count toward it. Last evaluated 2026-05-06.

Conditions:
MLH3-related disorder. Also called: MLH3-related condition.
Colorectal cancer, hereditary nonpolyposis, type 7. Identifiers: Orphanet 144, MedGen C1858380, MONDO:0013725, OMIM 614385.

Allele frequency attached by ClinVar (database versions not stated): gnomAD exomes 0.00004; ESP Exome Variant Server 0.00015.
gnomAD v4.1: 62 of 1,613,548 alleles (0.0038%); highest among the groups gnomAD compares: African/African-American, 0.017%; 1 homozygote.

Submissions (4):

Myriad Genetics, Inc.
Classification: Benign for Colorectal cancer, hereditary nonpolyposis, type 7. Last evaluated: 2026-05-06. Review status: criteria provided, single submitter. Criteria: Myriad Autosomal Dominant, Autosomal Recessive and X-Linked Classification Criteria (2023). Collection method: clinical testing. Allele origin: unknown.
Comment: This variant is considered benign. This variant is a silent/synonymous amino acid change and it is not expected to impact splicing.

Labcorp Genetics (formerly Invitae), Labcorp
Classification: Likely benign for Colorectal cancer, hereditary nonpolyposis, type 7. Last evaluated: 2025-09-16. Review status: criteria provided, single submitter. Criteria: Invitae Variant Classification Sherloc (09022015). Collection method: clinical testing. Allele origin: germline.

Ambry Genetics
Classification: Likely benign. Last evaluated: 2022-02-12. Review status: criteria provided, single submitter. Criteria: Ambry Variant Classification Scheme 2023. Collection method: clinical testing. Allele origin: germline.

PreventionGenetics, part of Exact Sciences
Classification: Likely benign for MLH3-related condition. Last evaluated: 2023-10-11. Review status: no assertion criteria provided. Collection method: clinical testing. Allele origin: germline. Not counted in ClinVar's aggregate classification.
Comment: This variant is classified as likely benign based on ACMG/AMP sequence variant interpretation guidelines (Richards et al. 2015 PMID: 25741868, with internal and published modifications).